The following is an entry in ClinVar:

ClinVar aggregate classification (germline): Uncertain significance (1 of 4 stars; one submission).

Submission:

Dasa
Classification: Uncertain significance. Last evaluated: 2024-08-09. Review status: criteria provided, single submitter. Criteria: DASA Assertion Criteria. Collection method: clinical testing. Allele origin: germline.
Comment: NM_024757.5(EHMT1):c.1250G>A (p.Ser417Asn) is a missense variant that results in the substitution of serine with asparagine. This variant is absent from population databases. Computational prediction algorithms are consistent with a benign effect. The currently available literature and clinical evidence are not sufficient to establish a definitive association between this variant and the reported condition. Therefore, this variant is classified as a variant of uncertain significance.

NM_024757.5(EHMT1):c.1250G>A (p.Ser417Asn)

Gene: EHMT1 (euchromatic histone lysine methyltransferase 1; plus strand). Cytogenetic location: 9q34.3.
Variant type: single nucleotide variant.
Coding change: c.1250G>A on transcript NM_024757.5 (MANE Select); coding-DNA position 1250, G replaced by A.
Protein change: p.Ser417Asn; replaces serine 417 with asparagine.
Molecular consequence: missense variant.
Genome position (GRCh38, 1-based): chr9:137,754,172, G>A. VCF-style: chr9-137754172-G-A. GRCh37 (hg19) VCF-style: chr9-140648624-G-A.
Other names: c.1250G>A, p.Ser417Asn (NM_001145527.2, NM_001354611.2); c.1157G>A, p.Ser386Asn (NM_001354259.2, NM_001354612.2); c.1229G>A, p.Ser410Asn (NM_001354263.2); short protein forms S386N, S410N, S417N.
Identifiers: ClinVar variation 4885113 (VCV004885113.2).
Genomic context (GRCh38, chr9:137,754,172, plus strand): 5'-TTGCCTTCCGTAGCTTCCTGTGCTTAGTGGTTTATATGCCTGCCCGTTTGGTTCTCCAGA[G>A]TTCGGAATCCAGCATTAAGAAGAAATTTCTCAAGAGGAAAGGAAAGACCGACAGTCCCTG-3'
Protein context (NP_079033.4, residues 407-427): EEEGGDESDL[Ser417Asn]SESSIKKKFL